The following is an entry in ClinVar:

ClinVar aggregate classification (germline): Uncertain significance (1 of 4 stars; one submission).

Submission:

GeneDx
Classification: Uncertain significance. Last evaluated: 2022-04-07. Review status: criteria provided, single submitter. Criteria: GeneDx Variant Classification Process June 2021. Collection method: clinical testing. Allele origin: germline. Affected: yes.
Comment: Not observed at significant frequency in large population cohorts (gnomAD); In silico analysis supports that this missense variant has a deleterious effect on protein structure/function; Has not been previously published as pathogenic or benign to our knowledge

NM_000214.3(JAG1):c.2750G>C (p.Cys917Ser)

Gene: JAG1 (jagged canonical Notch ligand 1; minus strand). Cytogenetic location: 20p12.2.
Variant type: single nucleotide variant.
Coding change: c.2750G>C on transcript NM_000214.3 (MANE Select); coding-DNA position 2750, G replaced by C.
Protein change: p.Cys917Ser; replaces cysteine 917 with serine.
Molecular consequence: missense variant.
Genome position (GRCh38, 1-based): chr20:10,641,626, C>G on the plus strand (G>C on the coding strand, the complement: JAG1 is on the minus strand). VCF-style: chr20-10641626-C-G. GRCh37 (hg19) VCF-style: chr20-10622274-C-G.
Other names: short protein forms C917S.
Identifiers: ClinVar variation 1712231 (VCV001712231.2), dbSNP rs2514509237, ClinGen allele CA408245052.